The following is an entry in ClinVar:

ClinVar aggregate classification (germline): Uncertain significance (1 of 4 stars; one submission).

Allele frequency attached by ClinVar (database versions not stated): gnomAD exomes below 0.00001.
gnomAD v4.1: 1 of 1,614,216 alleles (0.000062%); highest among the groups gnomAD compares: Non-Finnish European, 0.000085%; no homozygotes.

Submission:

GeneDx
Classification: Uncertain significance. Last evaluated: 2022-08-05. Review status: criteria provided, single submitter. Criteria: GeneDx Variant Classification Process June 2021. Collection method: clinical testing. Allele origin: germline. Affected: yes.
Comment: Not observed at significant frequency in large population cohorts (gnomAD); In silico analysis supports that this missense variant does not alter protein structure/function; Has not been previously published as pathogenic or benign to our knowledge

NM_001349253.2(SCN11A):c.2603A>G (p.Glu868Gly)

Gene: SCN11A (sodium voltage-gated channel alpha subunit 11; minus strand). Cytogenetic location: 3p22.2.
Variant type: single nucleotide variant.
Coding change: c.2603A>G on transcript NM_001349253.2 (MANE Select); coding-DNA position 2603, A replaced by G.
Protein change: p.Glu868Gly; replaces glutamic acid 868 with glycine.
Molecular consequence: missense variant.
Genome position (GRCh38, 1-based): chr3:38,894,765, T>C on the plus strand (A>G on the coding strand, the complement: SCN11A is on the minus strand). VCF-style: chr3-38894765-T-C. GRCh37 (hg19) VCF-style: chr3-38936256-T-C.
Other names: c.2603A>G, p.Glu868Gly (NM_014139.3); short protein forms E868G.
Identifiers: ClinVar variation 2428790 (VCV002428790.3), dbSNP rs2470561209, ClinGen allele CA352174776.